The following is an entry in ClinVar:

NM_000283.4(PDE6B):c.1034C>T (p.Pro345Leu)

Gene: PDE6B (phosphodiesterase 6B; plus strand). Cytogenetic location: 4p16.3.
Variant type: single nucleotide variant.
Coding change: c.1034C>T on transcript NM_000283.4 (MANE Select); coding-DNA position 1034, C replaced by T.
Protein change: p.Pro345Leu; replaces proline 345 with leucine.
Molecular consequence: missense variant. On other transcripts: intron variant (1).
Genome position (GRCh38, 1-based): chr4:655,981, C>T. VCF-style: chr4-655981-C-T. GRCh37 (hg19) VCF-style: chr4-649770-C-T.
Other names: c.1034C>T, p.Pro345Leu (NM_001145291.2); c.197C>T, p.Pro66Leu (NM_001145292.2, NM_001350154.3, NM_001379246.1 and 1 more transcripts); c.-48-893C>T (NM_001350155.3); short protein forms P66L, P345L.
Identifiers: ClinVar variation 3657536 (VCV003657536.2).

ClinVar aggregate classification (germline): Uncertain significance (1 of 4 stars; one submission).

Submission:

Labcorp Genetics (formerly Invitae), Labcorp
Classification: Uncertain significance. Last evaluated: 2024-06-30. Review status: criteria provided, single submitter. Criteria: Invitae Variant Classification Sherloc (09022015). Collection method: clinical testing. Allele origin: germline.
Comment: This sequence change replaces proline, which is neutral and non-polar, with leucine, which is neutral and non-polar, at codon 345 of the PDE6B protein (p.Pro345Leu). This variant is not present in population databases (gnomAD no frequency). This variant has not been reported in the literature in individuals affected with PDE6B-related conditions. Advanced modeling of protein sequence and biophysical properties (such as structural, functional, and spatial information, amino acid conservation, physicochemical variation, residue mobility, and thermodynamic stability) has been performed at Invitae for this missense variant, however the output from this modeling did not meet the statistical confidence thresholds required to predict the impact of this variant on PDE6B protein function. In summary, the available evidence is currently insufficient to determine the role of this variant in disease. Therefore, it has been classified as a Variant of Uncertain Significance.